The following is an entry in ClinVar:

NM_001184.4(ATR):c.1517A>G (p.His506Arg)

Gene: ATR (ATR checkpoint kinase; minus strand). Cytogenetic location: 3q23.
Variant type: single nucleotide variant.
Coding change: c.1517A>G on transcript NM_001184.4 (MANE Select); coding-DNA position 1517, A replaced by G.
Protein change: p.His506Arg; replaces histidine 506 with arginine.
Molecular consequence: missense variant. On other transcripts: intron variant (1).
Genome position (GRCh38, 1-based): chr3:142,560,287, T>C on the plus strand (A>G on the coding strand, the complement: ATR is on the minus strand). VCF-style: chr3-142560287-T-C. GRCh37 (hg19) VCF-style: chr3-142279129-T-C.
Other names: c.1350-846A>G (NM_001354579.2); short protein forms H506R.
Identifiers: ClinVar variation 1026407 (VCV001026407.9), dbSNP rs771539192, ClinGen allele CA2650581.

ClinVar aggregate classification (germline): Uncertain significance. Review status: criteria provided, multiple submitters, no conflicts (2 of 4 stars). 2 submissions from 2 submitters: Uncertain significance (2). Last evaluated 2025-03-19.

Allele frequency attached by ClinVar (database versions not stated): ExAC 0.00001; gnomAD 0.00001 and 0.00002; gnomAD exomes 0.00001 and 0.00004; TOPMed 0.00002.
gnomAD v4.1: 65 of 1,613,794 alleles (0.004%); highest among the groups gnomAD compares: Non-Finnish European, 0.0053%; no homozygotes.

Submissions (2):

Labcorp Genetics (formerly Invitae), Labcorp
Classification: Uncertain significance. Last evaluated: 2025-03-19. Review status: criteria provided, single submitter. Criteria: Invitae Variant Classification Sherloc (09022015). Collection method: clinical testing. Allele origin: germline.
Comment: This sequence change replaces histidine, which is basic and polar, with arginine, which is basic and polar, at codon 506 of the ATR protein (p.His506Arg). This variant is present in population databases (rs771539192, gnomAD 0.007%). This variant has not been reported in the literature in individuals affected with ATR-related conditions. ClinVar contains an entry for this variant (Variation ID: 1026407). An algorithm developed to predict the effect of missense changes on protein structure and function (PolyPhen-2) suggests that this variant is likely to be tolerated. In summary, the available evidence is currently insufficient to determine the role of this variant in disease. Therefore, it has been classified as a Variant of Uncertain Significance.

Blueprint Genetics
Classification: Uncertain significance. Last evaluated: 2024-11-01. Review status: criteria provided, single submitter. Criteria: ACMG Guidelines, 2015. Collection method: clinical testing. Allele origin: germline.